The following is an entry in ClinVar:

ClinVar aggregate classification (germline): Uncertain significance. Review status: criteria provided, multiple submitters, no conflicts (2 of 4 stars). 3 submissions from 3 submitters: Uncertain significance (3). Last evaluated 2026-08-11.

Conditions:
Hereditary cancer-predisposing syndrome. Also called: Tumor predisposition; Hereditary neoplastic syndrome; Neoplastic Syndromes, Hereditary; Hereditary Cancer Syndrome. Identifiers: Orphanet 140162, MedGen C0027672, MeSH D009386, MONDO:0015356.
Tuberous sclerosis 1 (TSC1). Identifiers: Orphanet 805, MedGen C1854465, MONDO:0008612, OMIM 191100.

Submissions (3):

Ambry Genetics
Classification: Uncertain significance for Hereditary cancer-predisposing syndrome. Last evaluated: 2026-08-11. Review status: criteria provided, single submitter. Criteria: Ambry Variant Classification Scheme 2023. Collection method: clinical testing. Allele origin: germline.
Comment: The p.L140P variant (also known as c.419T>C), located in coding exon 4 of the TSC1 gene, results from a T to C substitution at nucleotide position 419. The leucine at codon 140 is replaced by proline, an amino acid with similar properties. This alteration was reported in an individual with suspected TSC affected with frontal lobe epilepsy (Miyahara H et al. Brain Pathol., 2013 May;23:254-62). This amino acid position is highly conserved in available vertebrate species. In addition, this alteration is predicted to be deleterious by in silico analysis. Since supporting evidence is limited at this time, the clinical significance of this alteration remains unclear.

Labcorp Genetics (formerly Invitae), Labcorp
Classification: Uncertain significance for Tuberous sclerosis 1. Last evaluated: 2024-04-01. Review status: criteria provided, single submitter. Criteria: Invitae Variant Classification Sherloc (09022015). Collection method: clinical testing. Allele origin: germline.
Comment: This sequence change replaces leucine, which is neutral and non-polar, with proline, which is neutral and non-polar, at codon 140 of the TSC1 protein (p.Leu140Pro). This variant is not present in population databases (gnomAD no frequency). This missense change has been observed in individual(s) with clinical features of tuberous sclerosis complex (PMID: 22974335). ClinVar contains an entry for this variant (Variation ID: 824667). Advanced modeling of protein sequence and biophysical properties (such as structural, functional, and spatial information, amino acid conservation, physicochemical variation, residue mobility, and thermodynamic stability) performed at Invitae indicates that this missense variant is not expected to disrupt TSC1 protein function with a negative predictive value of 95%. Experimental studies have shown that this missense change affects TSC1 function (LOVD). In summary, the available evidence is currently insufficient to determine the role of this variant in disease. Therefore, it has been classified as a Variant of Uncertain Significance.

Genome-Nilou Lab
Classification: Uncertain significance for Tuberous sclerosis 1. Last evaluated: 2021-11-07. Review status: criteria provided, single submitter. Criteria: ACMG Guidelines, 2015. Collection method: clinical testing. Allele origin: germline. Affected: no.

Literature cited by the submitters: PubMed 22974335 (cited by Ambry Genetics and Labcorp Genetics (formerly Invitae), Labcorp).

NM_000368.5(TSC1):c.419T>C (p.Leu140Pro)

Gene: TSC1 (TSC complex subunit 1; minus strand). Cytogenetic location: 9q34.13.
Variant type: single nucleotide variant.
Coding change: c.419T>C on transcript NM_000368.5 (MANE Select); coding-DNA position 419, T replaced by C.
Protein change: p.Leu140Pro; replaces leucine 140 with proline.
Molecular consequence: missense variant.
Genome position (GRCh38, 1-based): chr9:132,923,437, A>G on the plus strand (T>C on the coding strand, the complement: TSC1 is on the minus strand). VCF-style: chr9-132923437-A-G. GRCh37 (hg19) VCF-style: chr9-135798824-A-G.
Other names: c.419T>C, p.Leu140Pro (NM_001162426.2); c.266T>C, p.Leu89Pro (NM_001162427.2); c.56T>C, p.Leu19Pro (NM_001362177.2); short protein forms L140P, L19P, L89P.
Identifiers: ClinVar variation 824667 (VCV000824667.16), dbSNP rs1588350642, ClinGen allele CA375373519.